The following is an entry in ClinVar:

NM_001267550.2(TTN):c.38857del (p.Glu12953fs)

Gene: TTN (titin; minus strand). Cytogenetic location: 2q31.2.
Variant type: Deletion.
Coding change: c.38857del on transcript NM_001267550.2 (MANE Select); coding-DNA position 38857, one base deleted (G; older notation c.38857delG).
Protein change: p.Glu12953fs; shifts the reading frame from glutamic acid 12953.
Molecular consequence: frameshift variant. On other transcripts: intron variant (5).
Genome position (GRCh38, 1-based): chr2:178,653,059, C deleted on the plus strand (G on the coding strand, the reverse complement: TTN is on the minus strand). VCF-style (leftmost placement, unchanged base first): chr2-178653058-TC-T. GRCh37 (hg19) VCF-style: chr2-179517785-TC-T.
Other names: c.13283-10742del (NM_003319.4); c.13859-10742del (NM_133437.4); c.13658-10742del (NM_133432.3); c.31742-518del (NM_133378.4); c.34523-518del (NM_001256850.1); short protein forms E12953fs.
Identifiers: ClinVar variation 4855678 (VCV004855678.1).
Genomic context (GRCh38, chr2:178,653,058, plus strand): 5'-TGAAGAGTTCAGTCTTCTGAAGCCTAAAGCCAGTGACAAATACCTTTAACAGGTGGGACT[TC>T]AGGTTTTTTAGGAGGAGTCACTGGCACTTTCTTTTCAGGAACAACTTCTTTGGGAGCCTC-3'

ClinVar aggregate classification (germline): Uncertain significance (1 of 4 stars; one submission).

Conditions:
TTN-related disorder. Also called: TTN-related disorders; TTN-related condition; TTN-related disease.

Submission:

3billion
Classification: Uncertain significance for TTN-related disorder. Last evaluated: 2025-10-23. Review status: criteria provided, single submitter. Criteria: ACMG Guidelines, 2015. Collection method: clinical testing. Allele origin: germline. Affected: yes.
Comment: The variant is not observed in the gnomAD v4.1.0 dataset. Predicted Consequence/Location: Frameshift: predicted to result in a loss or disruption of normal protein function through nonsense-mediated decay (NMD) or protein truncation. Multiple pathogenic variants are reported downstream of the variant. Therefore, this variant is classified as VUS according to the recommendation of ACMG/AMP guideline.